The following is an entry in ClinVar:

NM_001854.4(COL11A1):c.489-92A>G

Gene: COL11A1 (collagen type XI alpha 1 chain; minus strand). Cytogenetic location: 1p21.1.
Variant type: single nucleotide variant.
Coding change: c.489-92A>G on transcript NM_001854.4 (MANE Select); 92 bases into the intron before coding-DNA position 489, A replaced by G.
Molecular consequence: intron variant.
Genome position (GRCh38, 1-based): chr1:103,074,872, T>C on the plus strand (A>G on the coding strand, the complement: COL11A1 is on the minus strand). VCF-style: chr1-103074872-T-C. GRCh37 (hg19) VCF-style: chr1-103540428-T-C.
Other names: c.489-92A>G (NM_001190709.2, NM_080629.3, NM_080630.4).
Identifiers: ClinVar variation 676690 (VCV000676690.2), dbSNP rs72987842, ClinGen allele CA27753037.

ClinVar aggregate classification (germline): Benign. Review status: criteria provided, multiple submitters, no conflicts (2 of 4 stars). 2 submissions from 2 submitters: Benign (2). Last evaluated 2018-06-14.

Allele frequency attached by ClinVar (database versions not stated): gnomAD 0.03400 and 0.03659; 1000 Genomes Project 0.03754; TOPMed 0.03789; 1000 Genomes Project 30x 0.03873.
gnomAD v4.1: 9,460 of 1,420,984 alleles (0.67%); highest among the groups gnomAD compares: African/African-American, 12%; 524 homozygotes.

Submissions (2):

GeneDx
Classification: Benign. Last evaluated: 2018-06-14. Review status: criteria provided, single submitter. Criteria: GeneDx Variant Classification (06012015). Collection method: clinical testing. Allele origin: germline. Affected: yes.
Comment: This variant is considered likely benign or benign based on one or more of the following criteria: it is a conservative change, it occurs at a poorly conserved position in the protein, it is predicted to be benign by multiple in silico algorithms, and/or has population frequency not consistent with disease.

Breakthrough Genomics
Classification: Benign. Review status: criteria provided, single submitter. Criteria: ACMG Guidelines, 2015. Collection method: not provided. Allele origin: germline. Inheritance: Autosomal recessive inheritance. Affected: yes.